The following is an entry in ClinVar:

NM_003000.3(SDHB):c.106_107delinsAT (p.Ala36Ile)

Gene: SDHB (succinate dehydrogenase complex iron sulfur subunit B; minus strand). Cytogenetic location: 1p36.13.
Variant type: Indel.
Coding change: c.106_107delinsAT on transcript NM_003000.3 (MANE Select); coding-DNA positions 106 to 107, GC replaced by AT.
Protein change: p.Ala36Ile; replaces alanine 36 with isoleucine.
Molecular consequence: missense variant.
Genome position (GRCh38, 1-based): chr1:17,044,854-17,044,855, GC replaced by AT on the plus strand (GC replaced by AT on the coding strand, the reverse complement: SDHB is on the minus strand). VCF-style: chr1-17044854-GC-AT. GRCh37 (hg19) VCF-style: chr1-17371349-GC-AT.
Other names: c.106_107delGCinsAT (NM_003000.2); short protein forms A36I.
Identifiers: ClinVar variation 951994 (VCV000951994.9), dbSNP rs2078100640, ClinGen allele CA1139655478.

ClinVar aggregate classification (germline): Uncertain significance. Review status: criteria provided, multiple submitters, no conflicts (2 of 4 stars). 2 submissions from 2 submitters: Uncertain significance (2). Last evaluated 2025-11-26.

Conditions:
Gastrointestinal stromal tumor. Also called: Gastrointestinal stromal tumor, somatic; Gastrointestinal stroma tumor. Identifiers: Orphanet 44890, MedGen C0238198, MeSH D046152, MONDO:0011719, OMIM 606764, HP:0100723.
Pheochromocytoma/paraganglioma syndrome 4. Also called: CAROTID BODY TUMORS AND MULTIPLE EXTRAADRENAL PHEOCHROMOCYTOMAS; SDHB-Related Hereditary Paraganglioma-Pheochromocytoma Syndrome; Paragangliomas 4; SDHB-Related Hereditary Paraganglioma-Pheochromocytoma Syndrome (Paragangliomas 4); PARAGANGLIOMA, FAMILIAL MALIGNANT; PARAGANGLIOMAS, HEREDITARY EXTRAADRENAL. Identifiers: Orphanet 29072, MedGen C1861848, MONDO:0007273, OMIM 115310.
Pheochromocytoma. Also called: MAX-Related Hereditary Paraganglioma-Pheochromocytoma Syndrome. Identifiers: Orphanet 29072, MedGen C0031511, MONDO:0008233, OMIM 171300, HP:0002666.
Hereditary cancer-predisposing syndrome. Also called: Hereditary neoplastic syndrome; Neoplastic Syndromes, Hereditary; Hereditary Cancer Syndrome; Tumor predisposition. Identifiers: Orphanet 140162, MedGen C0027672, MeSH D009386, MONDO:0015356.

Submissions (2):

Ambry Genetics
Classification: Uncertain significance for Hereditary cancer-predisposing syndrome. Last evaluated: 2025-11-26. Review status: criteria provided, single submitter. Criteria: Ambry Variant Classification Scheme 2023. Collection method: clinical testing. Allele origin: germline.
Comment: The c.106_107delGCinsAT variant (also known as p.A36I), located in coding exon 2 of the SDHB gene, results from an in-frame deletion of GC and insertion of AT at nucleotide positions 106 to 107. This results in the substitution of the alanine residue for an isoleucine residue at codon 36, an amino acid with similar properties. This amino acid position is well conserved in available vertebrate species. In addition, this alteration is predicted to be neutral by in silico analysis (Choi Y et al. PLoS ONE. 2012; 7(10):e46688). Since supporting evidence is limited at this time, the clinical significance of this alteration remains unclear.

Labcorp Genetics (formerly Invitae), Labcorp
Classification: Uncertain significance for Gastrointestinal stromal tumor; Pheochromocytoma/paraganglioma syndrome 4; Pheochromocytoma. Last evaluated: 2023-03-12. Review status: criteria provided, single submitter. Criteria: Invitae Variant Classification Sherloc (09022015). Collection method: clinical testing. Allele origin: germline.
Comment: In summary, the available evidence is currently insufficient to determine the role of this variant in disease. Therefore, it has been classified as a Variant of Uncertain Significance. An algorithm developed to predict the effect of missense changes on protein structure and function (PolyPhen-2) suggests that this variant is likely to be tolerated. ClinVar contains an entry for this variant (Variation ID: 951994). This variant has not been reported in the literature in individuals affected with SDHB-related conditions. This variant is present in population databases (no rsID available, gnomAD 0.04%). This sequence change replaces alanine, which is neutral and non-polar, with isoleucine, which is neutral and non-polar, at codon 36 of the SDHB protein (p.Ala36Ile).